The following is an entry in ClinVar:

NM_001379403.1(WDR26):c.460G>C (p.Ala154Pro)

Gene: WDR26 (WD repeat domain 26; minus strand). Cytogenetic location: 1q42.12.
Variant type: single nucleotide variant.
Coding change: c.460G>C on transcript NM_001379403.1 (MANE Select); coding-DNA position 460, G replaced by C.
Protein change: p.Ala154Pro; replaces alanine 154 with proline.
Molecular consequence: missense variant.
Genome position (GRCh38, 1-based): chr1:224,433,946, C>G on the plus strand (G>C on the coding strand, the complement: WDR26 is on the minus strand). VCF-style: chr1-224433946-C-G. GRCh37 (hg19) VCF-style: chr1-224621648-C-G.
Other names: p.Ala54Pro; c.160G>C, p.Ala54Pro (NM_001115113.3, NM_025160.7); short protein forms A154P, A54P.
Identifiers: ClinVar variation 2438568 (VCV002438568.4), dbSNP rs2464797052, ClinGen allele CA344752590.

ClinVar aggregate classification (germline): Uncertain significance. Review status: criteria provided, multiple submitters, no conflicts (2 of 4 stars). 2 submissions from 2 submitters: Uncertain significance (2). Last evaluated 2022-08-23.

Conditions:
Skraban-Deardorff syndrome. Also called: INTELLECTUAL DISABILITY WITH SEIZURES, ABNORMAL GAIT, AND DISTINCTIVE FACIAL FEATURES; WDR26-Related Intellectual Disability. Identifiers: Orphanet 513456, MedGen C4539927, MONDO:0054636, OMIM 617616.

Submissions (2):

Mayo Clinic Laboratories, Mayo Clinic
Classification: Uncertain significance. Last evaluated: 2022-08-23. Review status: criteria provided, single submitter. Criteria: ACMG Guidelines, 2015. Collection method: clinical testing. Allele origin: germline. Observed: 1 variant allele.
Comment: BP4, PP1, PM2

Revvity Omics, Revvity
Classification: Uncertain significance for Skraban-Deardorff syndrome. Last evaluated: 2021-02-08. Review status: criteria provided, single submitter. Criteria: ACMG Guidelines, 2015. Collection method: clinical testing. Allele origin: germline.